The following is an entry in ClinVar:

NM_001943.5(DSG2):c.90C>G (p.Ser30Arg)

Gene: DSG2 (desmoglein 2; plus strand). Cytogenetic location: 18q12.1.
Variant type: single nucleotide variant.
Coding change: c.90C>G on transcript NM_001943.5 (MANE Select); coding-DNA position 90, C replaced by G.
Protein change: p.Ser30Arg; replaces serine 30 with arginine.
Molecular consequence: missense variant.
Genome position (GRCh38, 1-based): chr18:31,519,811, C>G. VCF-style: chr18-31519811-C-G. GRCh37 (hg19) VCF-style: chr18-29099774-C-G.
Other names: short protein forms S30R.
Identifiers: ClinVar variation 1332567 (VCV001332567.4), dbSNP rs2144313897, ClinGen allele CA402130541.

ClinVar aggregate classification (germline): Uncertain significance. Review status: criteria provided, multiple submitters, no conflicts (2 of 4 stars). 2 submissions from 2 submitters: Uncertain significance (2). Last evaluated 2024-04-16.

Conditions:
Arrhythmogenic right ventricular cardiomyopathy (ARVD). Also called: Cardiomyopathy, ARVC; Arrhythmogenic right ventricular dysplasia; Arrhythmogenic Right Ventricular Cardiomyopathy (ARVC); Arrhythmogenic cardiomyopathy. Identifiers: Orphanet 247, MedGen C0349788, MeSH D019571, MONDO:0016587. Disease mechanism: loss of function. Inheritance: Various modes of inheritance.
Cardiomyopathy (CMYO). Also called: Cardiomyopathies. Identifiers: Orphanet 167848, MedGen C0878544, MONDO:0004994, HP:0001638. Inheritance: Various modes of inheritance.

gnomAD v4.1: 1 of 1,614,040 alleles (0.000062%); highest among the groups gnomAD compares: African/African-American, 0.0013%; no homozygotes.

Submissions (2):

All of Us Research Program, National Institutes of Health
Classification: Uncertain significance for Arrhythmogenic right ventricular cardiomyopathy. Last evaluated: 2024-04-16. Review status: criteria provided, single submitter. Criteria: ACMG Guidelines, 2015. Collection method: clinical testing. Allele origin: germline. Inheritance: Autosomal dominant inheritance. Observed: 1 variant allele, 1 heterozygote.
Comment: This missense variant replaces serine with arginine at codon 30 of the DSG2 protein. Computational prediction suggests that this variant may not impact protein structure and function (internally defined REVEL score threshold <= 0.5, PMID: 27666373). To our knowledge, functional studies have not been reported for this variant. This variant has not been reported in individuals affected with cardiovascular disorders in the literature. This variant has not been identified in the general population by the Genome Aggregation Database (gnomAD). The available evidence is insufficient to determine the role of this variant in disease conclusively. Therefore, this variant is classified as a Variant of Uncertain Significance.

This study involves interpretation of variants in research participants for the purpose of population health screening. Participant phenotype was not available at the time of variant classification. Additional details can be found in publication PMID: 35346344, PMCID: PMC8962531

Color Diagnostics, LLC DBA Color Health
Classification: Uncertain significance for Cardiomyopathy. Last evaluated: 2024-03-06. Review status: criteria provided, single submitter. Criteria: ACMG Guidelines, 2015. Collection method: clinical testing. Allele origin: germline.
Comment: This missense variant replaces serine with arginine at codon 30 of the DSG2 protein. Computational prediction suggests that this variant may not impact protein structure and function (internally defined REVEL score threshold <= 0.5, PMID: 27666373). To our knowledge, functional studies have not been reported for this variant. This variant has not been reported in individuals affected with cardiovascular disorders in the literature. This variant has not been identified in the general population by the Genome Aggregation Database (gnomAD). The available evidence is insufficient to determine the role of this variant in disease conclusively. Therefore, this variant is classified as a Variant of Uncertain Significance.